The following is an entry in ClinVar:

ClinVar aggregate classification (germline): Uncertain significance. Review status: criteria provided, multiple submitters, no conflicts (2 of 4 stars). 4 submissions from 4 submitters: Uncertain significance (3). 1 of the submissions does not count toward it. Last evaluated 2025-12-16.

Conditions:
Polyglandular autoimmune syndrome, type 1 (APS1). Also called: PGA I; Autoimmune polyendocrinopathy syndrome , type I, with or without reversible metaphyseal dysplasia; Autoimmune polyendocrine syndrome type 1; HYPOADRENOCORTICISM WITH HYPOPARATHYROIDISM AND SUPERFICIAL MONILIASIS; Autoimmune polyendocrinopathy syndrome, type I; Whitaker syndrome. Identifiers: Orphanet 3453, MedGen C0085859, MONDO:0009411, OMIM 240300.
AIRE-related disorder. Also called: AIRE-related condition.
Inborn genetic diseases. Identifiers: MedGen C0950123, MeSH D030342.

Allele frequency attached by ClinVar (database versions not stated): gnomAD 0.00003 and 0.00004; TOPMed 0.00003.

Submissions (4):

Labcorp Genetics (formerly Invitae), Labcorp
Classification: Uncertain significance for Polyglandular autoimmune syndrome, type 1. Last evaluated: 2025-12-16. Review status: criteria provided, single submitter. Criteria: Invitae Variant Classification Sherloc (09022015). Collection method: clinical testing. Allele origin: germline.
Comment: This sequence change replaces alanine, which is neutral and non-polar, with threonine, which is neutral and polar, at codon 450 of the AIRE protein (p.Ala450Thr). This variant is present in population databases (rs758446796, gnomAD 0.02%). This variant has not been reported in the literature in individuals affected with AIRE-related conditions. ClinVar contains an entry for this variant (Variation ID: 971786). Invitae Evidence Modeling of protein sequence and biophysical properties (such as structural, functional, and spatial information, amino acid conservation, physicochemical variation, residue mobility, and thermodynamic stability) has been performed for this missense variant. However, the output from this modeling did not meet the statistical confidence thresholds required to predict the impact of this variant on AIRE protein function. In summary, the available evidence is currently insufficient to determine the role of this variant in disease. Therefore, it has been classified as a Variant of Uncertain Significance.

Ambry Genetics
Classification: Uncertain significance for Inborn genetic diseases. Last evaluated: 2024-12-12. Review status: criteria provided, single submitter. Criteria: Ambry Variant Classification Scheme 2023. Collection method: clinical testing. Allele origin: germline.
Comment: Based on insufficient or conflicting evidence, the clinical significance of this alteration remains unclear.

PreventionGenetics, part of Exact Sciences
Classification: Uncertain significance for AIRE-related condition. Last evaluated: 2023-06-02. Review status: criteria provided, single submitter. Criteria: ACMG Guidelines, 2015. Collection method: clinical testing. Allele origin: germline.
Comment: The AIRE c.1348G>A variant is predicted to result in the amino acid substitution p.Ala450Thr. To our knowledge, this variant has not been reported in the literature. This variant is reported in 0.017% of alleles in individuals of East Asian descent in gnomAD. At this time, the clinical significance of this variant is uncertain due to the absence of conclusive functional and genetic evidence.

Natera, Inc.
Classification: Uncertain significance for Polyglandular autoimmune syndrome type 1. Last evaluated: 2020-02-26. Review status: no assertion criteria provided. Collection method: clinical testing. Allele origin: germline. Not counted in ClinVar's aggregate classification.

Literature cited by the submitters: PubMed 28323927 (cited by Ambry Genetics).

NM_000383.4(AIRE):c.1348G>A (p.Ala450Thr)

Gene: AIRE (autoimmune regulator; plus strand). Cytogenetic location: 21q22.3.
Variant type: single nucleotide variant.
Coding change: c.1348G>A on transcript NM_000383.4 (MANE Select); coding-DNA position 1348, G replaced by A.
Protein change: p.Ala450Thr; replaces alanine 450 with threonine.
Molecular consequence: missense variant.
Genome position (GRCh38, 1-based): chr21:44,293,858, G>A. VCF-style: chr21-44293858-G-A. GRCh37 (hg19) VCF-style: chr21-45713741-G-A.
Other names: c.1348G>A (NM_000383.2); short protein forms A450T.
Identifiers: ClinVar variation 971786 (VCV000971786.10), dbSNP rs758446796, ClinGen allele CA10052070.